The following is an entry in ClinVar:

NM_000969.5(RPL5):c.877C>T (p.Arg293Trp)

Genes: DIPK1A (divergent protein kinase domain 1A; minus strand), RPL5 (ribosomal protein L5; plus strand). Cytogenetic location: 1p22.1.
Variant type: single nucleotide variant.
Coding change: c.877C>T on transcript NM_000969.5 (MANE Select); coding-DNA position 877, C replaced by T.
Protein change: p.Arg293Trp; replaces arginine 293 with tryptophan.
Molecular consequence: missense variant. On other transcripts: non-coding transcript variant (1), intron variant (1).
Genome position (GRCh38, 1-based): chr1:92,841,848, C>T. VCF-style: chr1-92841848-C-T. GRCh37 (hg19) VCF-style: chr1-93307405-C-T.
Other names: c.474+5335G>A (NM_001252273.2); short protein forms R293W.
Identifiers: ClinVar variation 2141474 (VCV002141474.3), dbSNP rs200315052, ClinGen allele CA26762559.

ClinVar aggregate classification (germline): Uncertain significance (1 of 4 stars; one submission).

Conditions:
Diamond-Blackfan anemia. Also called: Blackfan Diamond syndrome; Aregenerative anemia chronic congenital; Red cell aplasia, pure hereditary; Congenital hypoplastic anemia; Aase syndrome. Identifiers: Orphanet 124, MedGen C1260899, MeSH D029503, MONDO:0015253, HP:0004810.

Allele frequency attached by ClinVar (database versions not stated): gnomAD 0.00001; gnomAD exomes 0.00001; 1000 Genomes Project 30x 0.00016; 1000 Genomes Project 0.00020.
gnomAD v4.1: 10 of 1,611,512 alleles (0.00062%); highest among the groups gnomAD compares: East Asian, 0.0022%; no homozygotes.

Submission:

Labcorp Genetics (formerly Invitae), Labcorp
Classification: Uncertain significance for Diamond-Blackfan anemia. Last evaluated: 2022-04-01. Review status: criteria provided, single submitter. Criteria: Invitae Variant Classification Sherloc (09022015). Collection method: clinical testing. Allele origin: germline.
Comment: This sequence change replaces arginine, which is basic and polar, with tryptophan, which is neutral and slightly polar, at codon 293 of the RPL5 protein (p.Arg293Trp). In summary, the available evidence is currently insufficient to determine the role of this variant in disease. Therefore, it has been classified as a Variant of Uncertain Significance. Algorithms developed to predict the effect of missense changes on protein structure and function are either unavailable or do not agree on the potential impact of this missense change (SIFT: "Deleterious"; PolyPhen-2: "Possibly Damaging"; Align-GVGD: "Class C0"). This variant has not been reported in the literature in individuals affected with RPL5-related conditions. This variant is present in population databases (rs200315052, gnomAD 0.03%).